The following is an entry in ClinVar:

NM_174905.4(TSLIG3C):c.190G>A (p.Ala64Thr)

Genes: TSLIG3C (tRNA splicing ligase complex subunit 3C; plus strand), LOC130064348 (ATAC-STARR-seq lymphoblastoid silent region 10573; plus strand). Cytogenetic location: 19q13.2.
Variant type: single nucleotide variant.
Coding change: c.190G>A on transcript NM_174905.4 (MANE Select); coding-DNA position 190, G replaced by A.
Protein change: p.Ala64Thr; replaces alanine 64 with threonine.
Molecular consequence: missense variant.
Genome position (GRCh38, 1-based): chr19:38,403,462, G>A. VCF-style: chr19-38403462-G-A. GRCh37 (hg19) VCF-style: chr19-38894102-G-A.
Other names: c.190G>A, p.Ala64Thr (NM_001351675.1); short protein forms A64T.
Identifiers: ClinVar variation 3059360 (VCV003059360.2), dbSNP rs3745961, ClinGen allele CA9414817.

ClinVar aggregate classification (germline): Benign (0 of 4 stars; one submission).

Conditions:
FAM98C-related disorder. Also called: FAM98C-related condition.

Allele frequency attached by ClinVar (database versions not stated): ESP Exome Variant Server 0.01173; gnomAD exomes 0.02232; gnomAD 0.02448; TOPMed 0.03016; ExAC 0.04254; 1000 Genomes Project 30x 0.04310; 1000 Genomes Project 0.04393.
gnomAD v4.1: 31,832 of 1,405,082 alleles (2.3%); highest among the groups gnomAD compares: East Asian, 16%; 853 homozygotes.

Submission:

PreventionGenetics, part of Exact Sciences
Classification: Benign for FAM98C-related condition. Last evaluated: 2019-04-16. Review status: no assertion criteria provided. Collection method: clinical testing. Allele origin: germline.
Comment: This variant is classified as benign based on ACMG/AMP sequence variant interpretation guidelines (Richards et al. 2015 PMID: 25741868, with internal and published modifications).